The following is an entry in ClinVar:

ClinVar aggregate classification (germline): Conflicting classifications of pathogenicity. Review status: criteria provided, conflicting classifications (1 of 4 stars). 8 submissions from 8 submitters: Uncertain significance (7); Likely benign (1). Last evaluated 2025-12-09.

Conditions:
Hereditary cancer-predisposing syndrome. Also called: Neoplastic Syndromes, Hereditary; Hereditary neoplastic syndrome; Hereditary Cancer Syndrome; Tumor predisposition. Identifiers: Orphanet 140162, MedGen C0027672, MeSH D009386, MONDO:0015356.
Familial prostate cancer. Also called: Hereditary Prostate Cancer. Identifiers: MedGen C2931456, MONDO:0700275, OMIM 176807.
Familial cancer of breast. Also called: BREAST CANCER, FAMILIAL; hereditary breast carcinoma; Hereditary breast cancer. Identifiers: Orphanet 227535, MedGen C0346153, MONDO:0016419, OMIM 114480. Disease mechanism: loss of function.

Allele frequency attached by ClinVar (database versions not stated): gnomAD 0.00001; gnomAD exomes 0.00001; ExAC 0.00002; 1000 Genomes Project 30x 0.00016; 1000 Genomes Project 0.00020.
gnomAD v4.1: 10 of 1,613,828 alleles (0.00062%); highest among the groups gnomAD compares: African/African-American, 0.0027%; no homozygotes.

Submissions (8):

Labcorp Genetics (formerly Invitae), Labcorp
Classification: Uncertain significance for Familial cancer of breast. Last evaluated: 2025-12-09. Review status: criteria provided, single submitter. Criteria: Invitae Variant Classification Sherloc (09022015). Collection method: clinical testing. Allele origin: germline.
Comment: This sequence change replaces valine, which is neutral and non-polar, with isoleucine, which is neutral and non-polar, at codon 25 of the CHEK2 protein (p.Val25Ile). This variant is present in population databases (rs142243299, gnomAD 0.007%). This missense change has been observed in individual(s) with pancreatic cancer (PMID: 32255556, 37449874). ClinVar contains an entry for this variant (Variation ID: 140965). An algorithm developed to predict the effect of missense changes on protein structure and function (PolyPhen-2) suggests that this variant is likely to be tolerated. Experimental studies have shown that this missense change does not substantially affect CHEK2 function (PMID: 37449874). In summary, the available evidence is currently insufficient to determine the role of this variant in disease. Therefore, it has been classified as a Variant of Uncertain Significance.

Center for Genomic Medicine, Rigshospitalet, Copenhagen University Hospital
Classification: Likely benign. Last evaluated: 2025-03-04. Review status: criteria provided, single submitter. Criteria: ACMG Guidelines, 2015. Collection method: clinical testing. Allele origin: germline.
Comment: Classification criteria: BS3, BP4_Moderate

Color Diagnostics, LLC DBA Color Health
Classification: Uncertain significance for Hereditary cancer-predisposing syndrome. Last evaluated: 2025-01-28. Review status: criteria provided, single submitter. Criteria: ACMG Guidelines, 2015. Collection method: clinical testing. Allele origin: germline.
Comment: This missense variant replaces valine with isoleucine at codon 25 of the CHEK2 protein. Computational prediction suggests that this variant may not impact protein structure and function. In complementation assays in human CHEK2-knockout cells, this variant did not impact CHK2 autophosphorylation or KAP1 phosphorylation (PMID: 37449874). This variant has been reported in individuals affected with breast cancer (PMID: 37373225) and pancreatic cancer (PMID: 32255556). This variant has been reported in two breast cancer case-control meta analyses; in 2/73048 cases and 1/88658 controls (PMID: 37449874) and 2/60466 cases and 3/53461 unaffected controls (PMID: 33471991;Leiden Open Variation Database DB-ID CHEK2_000595). This variant has been identified in 3/248530 chromosomes in the general population by the Genome Aggregation Database (gnomAD). The available evidence is insufficient to determine the role of this variant in disease conclusively. Therefore, this variant is classified as a Variant of Uncertain Significance.

Ambry Genetics
Classification: Uncertain significance for Hereditary cancer-predisposing syndrome. Last evaluated: 2025-01-15. Review status: criteria provided, single submitter. Criteria: Ambry Variant Classification Scheme 2023. Collection method: clinical testing. Allele origin: germline.
Comment: The p.V25I variant (also known as c.73G>A), located in coding exon 1 of the CHEK2 gene, results from a G to A substitution at nucleotide position 73. The valine at codon 25 is replaced by isoleucine, an amino acid with highly similar properties. This variant was identified in 1/177 individuals with pancreatic ductal adenocarcinoma undergoing multi-gene panel testing (Cremin C et al. Cancer Med, 2020 06;9:4004-4013). This variant was reported as functional in a study assessing CHEK2-complementation through quantification of KAP1 phosphorylation and CHK2 autophosphorylation in human RPE1-CHEK2-knockout cells (Stolarova L et al. Clin Cancer Res, 2023 Aug;29:3037-3050). This amino acid position is poorly conserved in available vertebrate species. In addition, this alteration is predicted to be tolerated by in silico analysis. Based on the available evidence, the clinical significance of this variant remains unclear.

Quest Diagnostics Nichols Institute San Juan Capistrano
Classification: Uncertain significance. Last evaluated: 2024-02-13. Review status: criteria provided, single submitter. Criteria: Quest Diagnostics criteria. Collection method: clinical testing. Allele origin: unknown.
Comment: The CHEK2 c.73G>A (p.Val25Ile) variant has been reported in the published literature in individuals with breast cancer (PMIDs: 37449874 (2023), 37373225 (2023), and 33471991 (2021), see also LOVD), in an individual with pancreatic cancer (PMID: 32255556 (2020)), in a tumor sample of an individual with colorectal cancer (PMID: 32620917 (2020)), and in reportedly healthy individuals (PMID: 37449874 (2023) and 33471991 (2021), see also LOVD). Functional studies showed inconclusive results regarding the variant's impact on protein function (PMID: 37449874 (2023)). The frequency of this variant in the general population, 0.000012 (3/248530 chromosomes (Genome Aggregation Database)), is uninformative in the assessment of its pathogenicity. Analysis of this variant using bioinformatics tools for the prediction of the effect of amino acid changes on protein structure and function yielded predictions that this variant is benign. Based on the available information, we are unable to determine the clinical significance of this variant.

CeGaT Center for Human Genetics Tuebingen
Classification: Uncertain significance. Last evaluated: 2023-08-01. Review status: criteria provided, single submitter. Criteria: CeGaT Center For Human Genetics Tuebingen Variant Classification Criteria Version 2. Collection method: clinical testing. Allele origin: germline. Affected: yes. Observed: 1 variant allele.

Department of Pathology and Laboratory Medicine, Sinai Health System
Classification: Uncertain significance for Familial prostate cancer. Last evaluated: 2022-02-02. Review status: criteria provided, single submitter. Criteria: ACMG Guidelines, 2015. Collection method: clinical testing. Allele origin: germline. Affected: yes.

Institute for Clinical Genetics, University Hospital TU Dresden, University Hospital TU Dresden
Classification: Uncertain significance. Last evaluated: 2021-11-03. Review status: criteria provided, single submitter. Criteria: ACMG Guidelines, 2015. Collection method: clinical testing. Allele origin: germline.

Literature cited by the submitters: PubMed 32255556 (cited by 4 submitters); PubMed 37449874 (cited by 4 submitters); PubMed 33471991 (cited by Color Diagnostics, LLC DBA Color Health and Quest Diagnostics Nichols Institute San Juan Capistrano); PubMed 37373225 (cited by Color Diagnostics, LLC DBA Color Health and Quest Diagnostics Nichols Institute San Juan Capistrano); PubMed 31398194 (cited by Quest Diagnostics Nichols Institute San Juan Capistrano); PubMed 32620917 (cited by Quest Diagnostics Nichols Institute San Juan Capistrano).

NM_007194.4(CHEK2):c.73G>A (p.Val25Ile)

Gene: CHEK2 (checkpoint kinase 2; minus strand). Cytogenetic location: 22q12.1.
Variant type: single nucleotide variant.
Coding change: c.73G>A on transcript NM_007194.4 (MANE Select); coding-DNA position 73, G replaced by A.
Protein change: p.Val25Ile; replaces valine 25 with isoleucine.
Molecular consequence: missense variant.
Genome position (GRCh38, 1-based): chr22:28,734,649, C>T on the plus strand (G>A on the coding strand, the complement: CHEK2 is on the minus strand). VCF-style: chr22-28734649-C-T. GRCh37 (hg19) VCF-style: chr22-29130637-C-T.
Other names: c.73G>A, p.Val25Ile (NM_145862.3, NM_001005735.3, NM_001349956.3); c.-705G>A (NM_001257387.3); short protein forms V25I.
Identifiers: ClinVar variation 140965 (VCV000140965.52), dbSNP rs142243299, ClinGen allele CA164058.